The following is an entry in ClinVar:

ClinVar aggregate classification (germline): Uncertain significance (1 of 4 stars; one submission).

Submission:

Labcorp Genetics (formerly Invitae), Labcorp
Classification: Uncertain significance. Last evaluated: 2023-07-07. Review status: criteria provided, single submitter. Criteria: Invitae Variant Classification Sherloc (09022015). Collection method: clinical testing. Allele origin: germline.
Comment: Advanced modeling of protein sequence and biophysical properties (such as structural, functional, and spatial information, amino acid conservation, physicochemical variation, residue mobility, and thermodynamic stability) performed at Invitae indicates that this missense variant is not expected to disrupt KMT2A protein function. In summary, the available evidence is currently insufficient to determine the role of this variant in disease. Therefore, it has been classified as a Variant of Uncertain Significance. ClinVar contains an entry for this variant (Variation ID: 1503065). This missense change has been observed in individual(s) with clinical features of KMT2A-related conditions (Invitae). This variant is not present in population databases (gnomAD no frequency). This sequence change replaces glycine, which is neutral and non-polar, with valine, which is neutral and non-polar, at codon 3467 of the KMT2A protein (p.Gly3467Val).

NM_001197104.2(KMT2A):c.10400G>T (p.Gly3467Val)

Gene: KMT2A (lysine methyltransferase 2A; plus strand). Cytogenetic location: 11q23.3.
Variant type: single nucleotide variant.
Coding change: c.10400G>T on transcript NM_001197104.2 (MANE Select); coding-DNA position 10400, G replaced by T.
Protein change: p.Gly3467Val; replaces glycine 3467 with valine.
Molecular consequence: missense variant.
Genome position (GRCh38, 1-based): chr11:118,506,292, G>T. VCF-style: chr11-118506292-G-T. GRCh37 (hg19) VCF-style: chr11-118377007-G-T.
Other names: c.10391G>T, p.Gly3464Val (NM_005933.4); short protein forms G3464V, G3467V.
Identifiers: ClinVar variation 1503065 (VCV001503065.8), dbSNP rs2134412394, ClinGen allele CA382825644.